The following continues an entry in ClinVar:

NM_002878.4(RAD51D):c.270_271dup (p.Lys91fs)

ClinVar aggregate classification (germline): Pathogenic/Likely pathogenic. Pathogenic (14); Likely pathogenic (2).

Submissions 12 to 19 of 19:

Women's Health and Genetics/Laboratory Corporation of America, LabCorp
Classification: Pathogenic for Hereditary breast ovarian cancer syndrome. Last evaluated: 2021-06-21. Review status: criteria provided, single submitter. Criteria: LabCorp Variant Classification Summary - May 2015. Collection method: clinical testing. Allele origin: germline.
Comment: Variant summary: RAD51D c.270_271dupTA (p.Lys91IlefsX13) results in a premature termination codon, predicted to cause a truncation of the encoded protein or absence of the protein due to nonsense mediated decay, which are commonly known mechanisms for disease. The variant allele was found at a frequency of 6.3e-05 in 253126 control chromosomes, predominantly at a frequency of 0.00076 within the East Asian subpopulation in the gnomAD database. c.270_271dupTA has been reported in the literature in multiple individuals affected with Breast and Ovarian Cancer (example: Loveday_2011, Sun_2017, Zeng_2020). These data indicate that the variant is very likely to be associated with disease. To our knowledge, no experimental evidence demonstrating an impact on protein function has been reported. In addition, a recent large case-control study evaluating breast cancer cases and controls and a large scale meta-analyses evaluating ovarian cancer cases and controls found a moderate risk association of RAD51D truncating variants with familial breast cancer (overall odds ratio (OR) =1.80, 95% Cis: 1.112.93, p=0.018) as well as with ovarian cancer (overall OR = 6.94, 95% CI: 5.109.44; p< 0.0001) (Dorling_2021, Suszynska_2020). Six other ClinVar submitters (evaluation after 2014) cite the variant as pathogenic/likely pathogenic. Based on the evidence outlined above, the variant was classified as pathogenic.

Sema4
Classification: Pathogenic for Hereditary cancer-predisposing syndrome. Last evaluated: 2021-05-18. Review status: criteria provided, single submitter. Criteria: Sema4 Curation Guidelines. Collection method: curation. Allele origin: germline.
Comment: The RAD51D c.270_271dupTA (p.K91IfsX13) variant has been reported in heterozygosity in multiple individuals with breast and ovarian cancer (PMID: 21822267, 26681312, 29348823, 28724667, 29566657). This variant causes a frameshift at amino acid 91 that results in premature termination 13 amino acids downstream. At this location, this is predicted to cause nonsense-mediated decay and result in an absent protein (loss of function). Loss-of-function variants in RAD51D are known to be pathogenic (PMID: 21822267). This variant was observed in 14/18394 chromosomes in the East Asian population according to the Genome Aggregation Database (PMID: 32461654). Based on the current evidence available, this variant is interpreted as pathogenic.

Cancer Genomics Group, Japanese Foundation For Cancer Research
Classification: Likely pathogenic for Hereditary breast and ovarian cancer syndrome. Last evaluated: 2019-05-01. Review status: criteria provided, single submitter. Criteria: ACMG Guidelines, 2015. Collection method: research. Allele origin: germline. Affected: yes.

Genesis Genomics
Classification: Pathogenic for Breast-ovarian cancer, familial, susceptibility to, 4. Review status: criteria provided, single submitter. Criteria: ACMG Guidelines, 2015. Collection method: clinical testing. Allele origin: germline. Affected: yes. Observed: 1 variant allele.

Juno Genomics, Hangzhou Juno Genomics, Inc
Classification: Pathogenic for Breast-ovarian cancer, familial, susceptibility to, 4. Review status: criteria provided, single submitter. Criteria: ACMG Guidelines, 2015. Collection method: clinical testing. Allele origin: germline.
Comment: Absent from controls (or at extremely low frequency if recessive) in Genome Aggregation Database.;Null variant in a gene where loss of function (LOF) is a known mechanism of disease.;The prevalence of the variant in affected individuals is significantly increased compared to the prevalence in controls.

Laboratory for Genotyping Development, RIKEN
Classification: Pathogenic for Gastric cancer. Last evaluated: 2021-07-01. Review status: no assertion criteria provided. Collection method: research. Allele origin: germline. Not counted in ClinVar's aggregate classification.

Counsyl
Classification: Likely pathogenic for Breast-ovarian cancer, familial, susceptibility to, 4. Last evaluated: 2017-05-02. Review status: no assertion criteria provided. Collection method: clinical testing. Allele origin: unknown. Not counted in ClinVar's aggregate classification.

China-NCC-Department of Gynecologic Oncology, Cancer Hospital, Chinese Academy of Medical Sciences and Peking Union Medical College
Classification: Pathogenic for Ovarian neoplasm. Review status: no assertion criteria provided. Collection method: clinical testing. Allele origin: germline. Inheritance: Autosomal dominant inheritance. Affected: yes. Observed: 7 variant alleles. Not counted in ClinVar's aggregate classification.

Literature cited by the submitters: PubMed 21822267 (cited by 7 submitters); PubMed 28008555 (cited by 5 submitters); PubMed 29020732 (cited by 3 submitters); PubMed 29348823 (cited by 4 submitters); PubMed 32068069 (cited by Color Diagnostics, LLC DBA Color Health and Quest Diagnostics Nichols Institute San Juan Capistrano); PubMed 32359370 (cited by 3 submitters); PubMed 35186721 (cited by Color Diagnostics, LLC DBA Color Health); PubMed 36544182 (cited by Color Diagnostics, LLC DBA Color Health and Quest Diagnostics Nichols Institute San Juan Capistrano); PubMed 37833926 (cited by Color Diagnostics, LLC DBA Color Health and Quest Diagnostics Nichols Institute San Juan Capistrano); PubMed 38905575 (cited by Color Diagnostics, LLC DBA Color Health); PubMed 23372765 (cited by 3 submitters); PubMed 26296696 (cited by 3 submitters); PubMed 26681312 (cited by 5 submitters); PubMed 36988593 (cited by Quest Diagnostics Nichols Institute San Juan Capistrano and Laboratory for Genotyping Development, RIKEN); PubMed 33471991 (cited by Quest Diagnostics Nichols Institute San Juan Capistrano and Women's Health and Genetics/Laboratory Corporation of America, LabCorp); PubMed 32318955 (cited by Quest Diagnostics Nichols Institute San Juan Capistrano and Women's Health and Genetics/Laboratory Corporation of America, LabCorp); PubMed 29566657 (cited by Quest Diagnostics Nichols Institute San Juan Capistrano and Sema4); PubMed 28724667 (cited by 3 submitters); PubMed 28495237 (cited by Quest Diagnostics Nichols Institute San Juan Capistrano); PubMed 28522256 (cited by Quest Diagnostics Nichols Institute San Juan Capistrano); PubMed 30165555 (cited by Quest Diagnostics Nichols Institute San Juan Capistrano); PubMed 34917121 (cited by Quest Diagnostics Nichols Institute San Juan Capistrano); PubMed 32107557 (cited by Quest Diagnostics Nichols Institute San Juan Capistrano); PubMed 30875412 (cited by Quest Diagnostics Nichols Institute San Juan Capistrano); PubMed 33151324 (cited by Quest Diagnostics Nichols Institute San Juan Capistrano); PubMed 30982232 (cited by Quest Diagnostics Nichols Institute San Juan Capistrano); PubMed 32566746 (cited by Quest Diagnostics Nichols Institute San Juan Capistrano); PubMed 35273153 (cited by Quest Diagnostics Nichols Institute San Juan Capistrano); PubMed 28888541 (cited by Quest Diagnostics Nichols Institute San Juan Capistrano); PubMed 36225625 (cited by Quest Diagnostics Nichols Institute San Juan Capistrano); PubMed 35641994 (cited by Quest Diagnostics Nichols Institute San Juan Capistrano); PubMed 28281021 (cited by Quest Diagnostics Nichols Institute San Juan Capistrano); PubMed 30850667 (cited by Quest Diagnostics Nichols Institute San Juan Capistrano); PubMed 31780705 (cited by Quest Diagnostics Nichols Institute San Juan Capistrano); PubMed 32091409 (cited by Quest Diagnostics Nichols Institute San Juan Capistrano); PubMed 32355288 (cited by Quest Diagnostics Nichols Institute San Juan Capistrano); PubMed 32963463 (cited by Quest Diagnostics Nichols Institute San Juan Capistrano); PubMed 33062672 (cited by Quest Diagnostics Nichols Institute San Juan Capistrano); PubMed 33309985 (cited by Quest Diagnostics Nichols Institute San Juan Capistrano); PubMed 33385275 (cited by Quest Diagnostics Nichols Institute San Juan Capistrano); PubMed 33432021 (cited by Quest Diagnostics Nichols Institute San Juan Capistrano); PubMed 33649982 (cited by Quest Diagnostics Nichols Institute San Juan Capistrano); PubMed 34326862 (cited by Quest Diagnostics Nichols Institute San Juan Capistrano); PubMed 34793666 (cited by Quest Diagnostics Nichols Institute San Juan Capistrano); PubMed 35014770 (cited by Quest Diagnostics Nichols Institute San Juan Capistrano); PubMed 35171259 (cited by Quest Diagnostics Nichols Institute San Juan Capistrano); PubMed 35358259 (cited by Quest Diagnostics Nichols Institute San Juan Capistrano); PubMed 35712480 (cited by Quest Diagnostics Nichols Institute San Juan Capistrano); PubMed 35861108 (cited by Quest Diagnostics Nichols Institute San Juan Capistrano); PubMed 36113475 (cited by Quest Diagnostics Nichols Institute San Juan Capistrano); PubMed 36243179 (cited by Quest Diagnostics Nichols Institute San Juan Capistrano); PubMed 37024097 (cited by Quest Diagnostics Nichols Institute San Juan Capistrano); PubMed 37069702 (cited by Quest Diagnostics Nichols Institute San Juan Capistrano); PubMed 37193789 (cited by Quest Diagnostics Nichols Institute San Juan Capistrano); PubMed 37461096 (cited by Quest Diagnostics Nichols Institute San Juan Capistrano); PubMed 38153744 (cited by Quest Diagnostics Nichols Institute San Juan Capistrano).